The following is an entry in ClinVar:

ClinVar aggregate classification (germline): Uncertain significance (1 of 4 stars; one submission).

gnomAD v4.1: 2 of 1,614,110 alleles (0.00012%); highest among the groups gnomAD compares: Non-Finnish European, 0.00017%; no homozygotes.

Submission:

Ambry Genetics
Classification: Uncertain significance. Last evaluated: 2023-08-30. Review status: criteria provided, single submitter. Criteria: Ambry Variant Classification Scheme 2023. Collection method: clinical testing. Allele origin: germline.
Comment: The p.A1611D variant (also known as c.4832C>A), located in coding exon 43 of the KIF1B gene, results from a C to A substitution at nucleotide position 4832. The alanine at codon 1611 is replaced by aspartic acid, an amino acid with dissimilar properties. This amino acid position is conserved. In addition, the in silico prediction for this alteration is inconclusive. Since supporting evidence is limited at this time, the clinical significance of this alteration remains unclear.

NM_001365951.3(KIF1B):c.4970C>A (p.Ala1657Asp)

Gene: KIF1B (kinesin family member 1B; plus strand). Cytogenetic location: 1p36.22.
Variant type: single nucleotide variant.
Coding change: c.4970C>A on transcript NM_001365951.3 (MANE Select); coding-DNA position 4970, C replaced by A.
Protein change: p.Ala1657Asp; replaces alanine 1657 with aspartic acid.
Molecular consequence: missense variant.
Genome position (GRCh38, 1-based): chr1:10,374,339, C>A. VCF-style: chr1-10374339-C-A. GRCh37 (hg19) VCF-style: chr1-10434397-C-A.
Other names: c.4970C>A, p.Ala1657Asp (NM_001365952.1); c.4832C>A, p.Ala1611Asp (NM_015074.3); short protein forms A1611D, A1657D.
Identifiers: ClinVar variation 2624986 (VCV002624986.2), dbSNP rs758879647, ClinGen allele CA338328671.